The following is an entry in ClinVar:

NM_001379200.1(TBX1):c.1336_1337del (p.Pro446fs)

Gene: TBX1 (T-box transcription factor 1; plus strand). Cytogenetic location: 22q11.21.
Variant type: Deletion.
Coding change: c.1336_1337del on transcript NM_001379200.1 (MANE Select); coding-DNA positions 1336 to 1337, 2 bases deleted (CC; older notation c.1336_1337delCC).
Protein change: p.Pro446fs; shifts the reading frame from proline 446.
Molecular consequence: frameshift variant. On other transcripts: intron variant (2).
Genome position (GRCh38, 1-based): chr22:19,766,688-19,766,689, CC deleted; deleting any 2 consecutive bases within chr22:19,766,687-19,766,689 gives the same sequence; the c. name uses the placement nearest the transcript's 3' end. VCF-style (leftmost placement, unchanged base first): chr22-19766686-ACC-A. GRCh37 (hg19) VCF-style: chr22-19754209-ACC-A.
Other names: c.1309_1310del, p.Pro437fs (NM_080647.1); c.1009+686_1009+687del (NM_005992.1, NM_080646.2); c.1309_1310delCC (NM_080647.1); short protein forms P437fs, P446fs.
Identifiers: ClinVar variation 504218 (VCV000504218.2), dbSNP rs1555896814, ClinGen allele CA658799490.
Genomic context (GRCh38, chr22:19,766,686, plus strand): 5'-ACAAATATCCGGCCGCCGCCTACGACCACTATCTCGGGGCCAAGAGCCGGCCGGCGCCCT[ACC>A]CGCTGCCCGGCCTGCGTGGCCACGGCTACCACCCGCACGCGCATCCGCACCACCACCACC-3'

ClinVar aggregate classification (germline): Likely pathogenic (1 of 4 stars; one submission).

Submission:

GeneDx
Classification: Likely pathogenic. Last evaluated: 2018-02-13. Review status: criteria provided, single submitter. Criteria: GeneDx Variant Classification (06012015). Collection method: clinical testing. Allele origin: germline. Affected: yes.
Comment: The c.1309_1310delCC variant in the TBX1 gene has not been reported previously as a pathogenic variant nor as a benign variant, to our knowledge. The c.1309_1310delCC variant causes a frameshift starting with codon Proline 437, changes this amino acid to an Alanine residue, and creates a premature Stop codon at position 179 of the new reading frame, denoted p.Pro437AlafsX179. This variant is predicted to cause loss of normal protein function through protein truncation, as the last 59 amino acids are lost and replaced with 178 incorrect amino acids. The c.1309_1310delCC variant is not observed in large population cohorts (Lek et al., 2016). We interpret c.1309_1310delCC as a likely pathogenic variant.